The following is an entry in ClinVar:

NM_017909.4(RMND1):c.320T>A (p.Val107Glu)

Gene: RMND1 (required for meiotic nuclear division 1 homolog; minus strand). Cytogenetic location: 6q25.1.
Variant type: single nucleotide variant.
Coding change: c.320T>A on transcript NM_017909.4 (MANE Select); coding-DNA position 320, T replaced by A.
Protein change: p.Val107Glu; replaces valine 107 with glutamic acid.
Molecular consequence: missense variant. On other transcripts: intron variant (1).
Genome position (GRCh38, 1-based): chr6:151,445,492, A>T on the plus strand (T>A on the coding strand, the complement: RMND1 is on the minus strand). VCF-style: chr6-151445492-A-T. GRCh37 (hg19) VCF-style: chr6-151766627-A-T.
Other names: c.-7+6524T>A (NM_001271937.2); c.320T>A (NM_017909.3); short protein forms V107E.
Identifiers: ClinVar variation 1083505 (VCV001083505.17), dbSNP rs199787718, ClinGen allele CA4051064.
Genomic context (GRCh38, chr6:151,445,492, plus strand): 5'-AAATGCCTCTTTAATATTTTTATAAACCATTTAGAACCCAACAGATTTGGTTTGTGGGTC[A>T]CTCTCCTGTGAGTACCAAAGGATTTCATGGTTGGAAGGTGTGCCTTTTCATCTTGGCAAC-3'
Protein context (NP_060379.2, residues 97-117): TMKSFGTHRR[Val107Glu]THKPNLLGSK

ClinVar aggregate classification (germline): Conflicting classifications of pathogenicity. Review status: criteria provided, conflicting classifications (1 of 4 stars). 6 submissions from 6 submitters: Uncertain significance (4); Likely benign (2). Last evaluated 2026-05-21.

Conditions:
RMND1-related disorder. Also called: RMND1-related condition.
Inborn genetic diseases. Identifiers: MedGen C0950123, MeSH D030342.

Allele frequency attached by ClinVar (database versions not stated): gnomAD exomes 0.00006 and 0.00016; ExAC 0.00013; 1000 Genomes Project 30x 0.00016; 1000 Genomes Project 0.00020; ESP Exome Variant Server 0.00031; gnomAD 0.00059 and 0.00066; TOPMed 0.00070.
gnomAD v4.1: 179 of 1,614,096 alleles (0.011%); highest among the groups gnomAD compares: African/African-American, 0.21%; no homozygotes.

Submissions (6):

Women's Health and Genetics/Laboratory Corporation of America, LabCorp
Classification: Uncertain significance. Last evaluated: 2026-05-21. Review status: criteria provided, single submitter. Criteria: LabCorp Variant Classification Summary - May 2015. Collection method: clinical testing. Allele origin: germline.
Comment: Variant summary: RMND1 c.320T>A (p.Val107Glu) results in a non-conservative amino acid change in the encoded protein sequence. Algorithms developed to predict the effect of missense changes on protein structure and function are either unavailable or do not agree on the potential impact of this missense change. The variant allele was found at a frequency of 0.00016 in 251460 control chromosomes. This frequency is not significantly higher than estimated for disease-causing variants in RMND1, allowing no conclusion about variant significance. To our knowledge, no occurrence of c.320T>A in individuals affected with RMND1-related conditions and no experimental evidence demonstrating its impact on protein function have been reported. ClinVar contains an entry for this variant (Variation ID: 1083505). Based on the evidence outlined above, the variant was classified as uncertain significance.

Labcorp Genetics (formerly Invitae), Labcorp
Classification: Likely benign. Last evaluated: 2026-01-14. Review status: criteria provided, single submitter. Criteria: Invitae Variant Classification Sherloc (09022015). Collection method: clinical testing. Allele origin: germline.

PreventionGenetics, part of Exact Sciences
Classification: Likely benign for RMND1-related condition. Last evaluated: 2025-08-06. Review status: criteria provided, single submitter. Criteria: ACMG Guidelines, 2015. Collection method: clinical testing. Allele origin: germline.
Comment: This variant is classified as likely benign based on ACMG/AMP sequence variant interpretation guidelines (Richards et al. 2015 PMID: 25741868, with internal and published modifications).

Blueprint Genetics
Classification: Uncertain significance. Last evaluated: 2023-09-30. Review status: criteria provided, single submitter. Criteria: ACMG Guidelines, 2015. Collection method: clinical testing. Allele origin: germline.

GeneDx
Classification: Uncertain significance. Last evaluated: 2022-01-12. Review status: criteria provided, single submitter. Criteria: GeneDx Variant Classification Process June 2021. Collection method: clinical testing. Allele origin: germline. Affected: yes.
Comment: In silico analysis supports that this missense variant does not alter protein structure/function; Has not been previously published as pathogenic or benign to our knowledge

Ambry Genetics
Classification: Uncertain significance for Inborn genetic diseases. Last evaluated: 2020-10-22. Review status: criteria provided, single submitter. Criteria: Ambry Variant Classification Scheme 2023. Collection method: clinical testing. Allele origin: germline.
Comment: The c.320T>A (p.V107E) alteration is located in exon 2 (coding exon 1) of the RMND1 gene. This alteration results from a T to A substitution at nucleotide position 320, causing the valine (V) at amino acid position 107 to be replaced by a glutamic acid (E). Based on data from the Genome Aggregation Database (gnomAD) database, the RMND1 c.320T>A alteration was observed in 0.02% (64/282846) of total alleles studied, with a frequency of 0.24% (61/24966) in the African subpopulation. This amino acid position is poorly conserved in available vertebrate species. The p.V107E alteration is predicted to be tolerated by in silico analysis. Based on insufficient or conflicting evidence, the clinical significance of this alteration remains unclear.